The following is an entry in ClinVar:

NM_000038.6(APC):c.4668T>C (p.Thr1556=)

Gene: APC (APC regulator of Wnt signaling pathway; plus strand). Cytogenetic location: 5q22.2.
Variant type: single nucleotide variant.
Coding change: c.4668T>C on transcript NM_000038.6 (MANE Select); coding-DNA position 4668, T replaced by C.
Protein change: p.Thr1556=; no amino-acid change (threonine 1556 retained).
Molecular consequence: synonymous variant.
Genome position (GRCh38, 1-based): chr5:112,840,262, T>C. VCF-style: chr5-112840262-T-C. GRCh37 (hg19) VCF-style: chr5-112175959-T-C.
Other names: c.4668T>C, p.Thr1556= (NM_001127510.3, NM_001354895.2); c.4614T>C, p.Thr1538= (NM_001127511.3); c.4722T>C, p.Thr1574= (NM_001354896.2); c.4698T>C, p.Thr1566= (NM_001354897.2); c.4593T>C, p.Thr1531= (NM_001354898.2); c.4584T>C, p.Thr1528= (NM_001354899.2); c.4545T>C, p.Thr1515= (NM_001354900.2); c.4491T>C, p.Thr1497= (NM_001354901.2); and 5 more.
Identifiers: ClinVar variation 996295 (VCV000996295.7), dbSNP rs1554086074, ClinGen allele CA446206658.

ClinVar aggregate classification (germline): Benign/Likely benign. Review status: criteria provided, multiple submitters, no conflicts (2 of 4 stars). 5 submissions from 5 submitters: Benign (1); Likely benign (4). Last evaluated 2024-05-23.

Conditions:
Classic or attenuated familial adenomatous polyposis. Identifiers: MedGen CN372698, MONDO:0021057.
Hereditary cancer-predisposing syndrome. Also called: Neoplastic Syndromes, Hereditary; Hereditary Cancer Syndrome; Tumor predisposition; Hereditary neoplastic syndrome. Identifiers: Orphanet 140162, MedGen C0027672, MeSH D009386, MONDO:0015356.
Familial adenomatous polyposis 1 (FAP1). Also called: POLYPOSIS, ADENOMATOUS INTESTINAL; FAMILIAL ADENOMATOUS POLYPOSIS 1, ATTENUATED. Identifiers: MedGen C2713442, MONDO:0021056, OMIM 175100. Disease mechanism: loss of function.

Allele frequency attached by ClinVar (database versions not stated): TOPMed below 0.00001.

Submissions (5):

Labcorp Genetics (formerly Invitae), Labcorp
Classification: Likely benign for Familial adenomatous polyposis 1. Last evaluated: 2024-05-23. Review status: criteria provided, single submitter. Criteria: Invitae Variant Classification Sherloc (09022015). Collection method: clinical testing. Allele origin: germline.

Myriad Genetics, Inc.
Classification: Benign for Familial adenomatous polyposis 1. Last evaluated: 2024-03-27. Review status: criteria provided, single submitter. Criteria: Myriad Autosomal Dominant, Autosomal Recessive and X-Linked Classification Criteria (2023). Collection method: clinical testing. Allele origin: unknown.
Comment: This variant is considered benign. This variant is a silent/synonymous amino acid change and it is not expected to impact splicing.

All of Us Research Program, National Institutes of Health
Classification: Likely benign for Classic or attenuated familial adenomatous polyposis. Last evaluated: 2023-05-16. Review status: criteria provided, single submitter. Criteria: ACMG Guidelines, 2015. Collection method: clinical testing. Allele origin: germline. Inheritance: Autosomal dominant inheritance. Observed: 1 variant allele, 1 heterozygote.
Comment: This study involves interpretation of variants in research participants for the purpose of population health screening. Participant phenotype was not available at the time of variant classification. Additional details can be found in publication PMID: 35346344, PMCID: PMC8962531

Women's Health and Genetics/Laboratory Corporation of America, LabCorp
Classification: Likely benign. Last evaluated: 2021-01-16. Review status: criteria provided, single submitter. Criteria: LabCorp Variant Classification Summary - May 2015. Collection method: clinical testing. Allele origin: germline.
Comment: Variant summary: APC c.4668T>C alters a non-conserved nucleotide resulting in a synonymous change. 4/4 computational tools predict no significant impact on normal splicing. However, these predictions have yet to be confirmed by functional studies. The variant was absent in 250146 control chromosomes. The available data on variant occurrences in the general population are insufficient to allow any conclusion about variant significance. To our knowledge, no occurrence of c.4668T>C in individuals affected with Familial Adenomatous Polyposis and no experimental evidence demonstrating its impact on protein function have been reported. No clinical diagnostic laboratories have submitted clinical-significance assessments for this variant to ClinVar after 2014. Based on the evidence outlined above, the variant was classified as likely benign.

Ambry Genetics
Classification: Likely benign for Hereditary cancer-predisposing syndrome. Last evaluated: 2019-12-30. Review status: criteria provided, single submitter. Criteria: Ambry Variant Classification Scheme 2023. Collection method: clinical testing. Allele origin: germline.